The following is an entry in ClinVar:

ClinVar aggregate classification (germline): Likely benign. Review status: criteria provided, multiple submitters, no conflicts (2 of 4 stars). 5 submissions from 5 submitters: Likely benign (5). Last evaluated 2025-11-24.

Conditions:
Marfan syndrome (MFS). Also called: MARFAN SYNDROME, TYPE I; Marfan's syndrome; Marfan syndrome, classic; Marfan syndrome type 1; FBN1-Related Marfan Syndrome. Identifiers: Orphanet 284963, Orphanet 558, MedGen C0024796, MONDO:0007947, OMIM 154700.
Familial thoracic aortic aneurysm and aortic dissection (TAAD). Also called: Thoracic aortic aneurysms and dissections. Identifiers: Orphanet 91387, MedGen C4707243, MONDO:0019625.

Allele frequency attached by ClinVar (database versions not stated): gnomAD exomes 0.00002 and 0.00001; ESP Exome Variant Server 0.00008; ExAC 0.00001; gnomAD 0.00001; TOPMed 0.00001.
gnomAD v4.1: 26 of 1,614,002 alleles (0.0016%); highest among the groups gnomAD compares: South Asian, 0.0077%; no homozygotes.

Submissions (5):

Labcorp Genetics (formerly Invitae), Labcorp
Classification: Likely benign for Marfan syndrome; Familial thoracic aortic aneurysm and aortic dissection. Last evaluated: 2025-11-24. Review status: criteria provided, single submitter. Criteria: Invitae Variant Classification Sherloc (09022015). Collection method: clinical testing. Allele origin: germline.

All of Us Research Program, National Institutes of Health
Classification: Likely benign for Marfan syndrome. Last evaluated: 2023-12-01. Review status: criteria provided, single submitter. Criteria: ACMG Guidelines, 2015. Collection method: clinical testing. Allele origin: germline. Inheritance: Autosomal dominant inheritance. Observed: 2 variant alleles, 2 heterozygotes.
Comment: This study involves interpretation of variants in research participants for the purpose of population health screening. Participant phenotype was not available at the time of variant classification. Additional details can be found in publication PMID: 35346344, PMCID: PMC8962531

Ambry Genetics
Classification: Likely benign for Familial thoracic aortic aneurysm and aortic dissection. Last evaluated: 2023-04-29. Review status: criteria provided, single submitter. Criteria: Ambry Variant Classification Scheme 2023. Collection method: clinical testing. Allele origin: germline.

CeGaT Center for Human Genetics Tuebingen
Classification: Likely benign. Last evaluated: 2022-04-01. Review status: criteria provided, single submitter. Criteria: CeGaT Center For Human Genetics Tuebingen Variant Classification Criteria Version 2. Collection method: clinical testing. Allele origin: germline. Affected: yes. Observed: 1 variant allele.
Comment: FBN1: BP4, BP7

Color Diagnostics, LLC DBA Color Health
Classification: Likely benign for Familial thoracic aortic aneurysm and aortic dissection. Last evaluated: 2019-10-08. Review status: criteria provided, single submitter. Criteria: ACMG Guidelines, 2015. Collection method: clinical testing. Allele origin: germline.

NM_000138.5(FBN1):c.5511C>T (p.Pro1837=)

Gene: FBN1 (fibrillin 1; minus strand). Cytogenetic location: 15q21.1.
Variant type: single nucleotide variant.
Coding change: c.5511C>T on transcript NM_000138.5 (MANE Select); coding-DNA position 5511, C replaced by T.
Protein change: p.Pro1837=; no amino-acid change (proline 1837 retained).
Molecular consequence: synonymous variant.
Genome position (GRCh38, 1-based): chr15:48,452,596, G>A on the plus strand (C>T on the coding strand, the complement: FBN1 is on the minus strand). VCF-style: chr15-48452596-G-A. GRCh37 (hg19) VCF-style: chr15-48744793-G-A.
Identifiers: ClinVar variation 457231 (VCV000457231.37), dbSNP rs372767912, ClinGen allele CA055090.